The following is an entry in ClinVar:

ClinVar aggregate classification (germline): Uncertain significance. Review status: criteria provided, multiple submitters, no conflicts (2 of 4 stars). 3 submissions from 3 submitters: Uncertain significance (3). Last evaluated 2025-09-01.

Conditions:
Inborn genetic diseases. Identifiers: MedGen C0950123, MeSH D030342.

gnomAD v4.1: 13 of 1,210,569 alleles (0.0011%); highest among the groups gnomAD compares: East Asian, 0.003%; no homozygotes.

Submissions (3):

Ambry Genetics
Classification: Uncertain significance for Inborn genetic diseases. Last evaluated: 2025-09-01. Review status: criteria provided, single submitter. Criteria: Ambry Variant Classification Scheme 2023. Collection method: clinical testing. Allele origin: germline.

GeneDx
Classification: Uncertain significance. Last evaluated: 2024-05-07. Review status: criteria provided, single submitter. Criteria: GeneDx Variant Classification Process June 2021. Collection method: clinical testing. Allele origin: germline. Affected: yes.
Comment: Not observed at significant frequency in large population cohorts (gnomAD); In silico analysis supports that this missense variant has a deleterious effect on protein structure/function; Has not been previously published as pathogenic or benign to our knowledge

Blueprint Genetics
Classification: Uncertain significance. Last evaluated: 2022-08-23. Review status: criteria provided, single submitter. Criteria: ACMG Guidelines, 2015. Collection method: clinical testing. Allele origin: germline.

NM_021120.4(DLG3):c.2129G>A (p.Arg710Gln)

Gene: DLG3 (discs large MAGUK scaffold protein 3; plus strand). Cytogenetic location: Xq13.1.
Variant type: single nucleotide variant.
Coding change: c.2129G>A on transcript NM_021120.4 (MANE Select); coding-DNA position 2129, G replaced by A.
Protein change: p.Arg710Gln; replaces arginine 710 with glutamine.
Molecular consequence: missense variant.
Genome position (GRCh38, 1-based): chrX:70,500,033, G>A. VCF-style: chrX-70500033-G-A. GRCh37 (hg19) VCF-style: chrX-69719883-G-A.
Other names: c.776G>A, p.Arg259Gln (NM_001166278.2); c.1214G>A, p.Arg405Gln (NM_020730.3); c.2129G>A (NM_021120.3); short protein forms R259Q, R405Q, R710Q.
Identifiers: ClinVar variation 3375583 (VCV003375583.3).
Genomic context (GRCh38, chrX:70,500,033, plus strand): 5'-AGTTCATCGAGGCGGGCCAATTTAATGATAACCTCTATGGGACCAGCATCCAGTCAGTGC[G>A]GGCAGTTGCAGAGAGGGTAAGTGTACAGGAGATGGCCTCAAAGGGGAGGCCAATGCTTAT-3'
Protein context (NP_066943.2, residues 700-720): NLYGTSIQSV[Arg710Gln]AVAERGKHCI